The following is an entry in ClinVar:

ClinVar aggregate classification (germline): Pathogenic/Likely pathogenic. Review status: criteria provided, multiple submitters, no conflicts (2 of 4 stars). 2 submissions from 2 submitters: Pathogenic (1); Likely pathogenic (1). Last evaluated 2026-07-14.

Conditions:
TP63-Related Spectrum Disorders.
Ectodermal dysplasia. Also called: Ectodermal dysplasia syndrome. Identifiers: Orphanet 79373, MedGen C0013575, MONDO:0019287, HP:0000968.

Submissions (2):

Genetics Laboratory, Great Ormond Street Hospital NHS Foundation Trust, North Thames Genomic Laboratory Hub
Classification: Likely pathogenic for Ectodermal dysplasia. Last evaluated: 2026-07-14. Review status: criteria provided, single submitter. Criteria: ACGS Best Practice Guidelines for Variant Classification in Rare Disease 2024 v1.2. Collection method: clinical testing. Allele origin: germline. Affected: yes.
Comment: PS4_moderate, PM2_moderate, PP3_supporting, PM5_supporting, PM6_supporting

Labcorp Genetics (formerly Invitae), Labcorp
Classification: Pathogenic. Last evaluated: 2023-12-06. Review status: criteria provided, single submitter. Criteria: Invitae Variant Classification Sherloc (09022015). Collection method: clinical testing. Allele origin: germline.
Comment: This sequence change replaces glycine, which is neutral and non-polar, with aspartic acid, which is acidic and polar, at codon 173 of the TP63 protein (p.Gly173Asp). This variant is not present in population databases (gnomAD no frequency). This missense change has been observed in individual(s) with TP63-related disorders (PMID: 22342398). In at least one individual the variant was observed to be de novo. Advanced modeling of protein sequence and biophysical properties (such as structural, functional, and spatial information, amino acid conservation, physicochemical variation, residue mobility, and thermodynamic stability) performed at Invitae indicates that this missense variant is expected to disrupt TP63 protein function with a positive predictive value of 95%. This variant disrupts the p.Gly173 amino acid residue in TP63. Other variant(s) that disrupt this residue have been determined to be pathogenic (PMID: 21990121, 23463580; Invitae). This suggests that this residue is clinically significant, and that variants that disrupt this residue are likely to be disease-causing. For these reasons, this variant has been classified as Pathogenic.

Literature cited by the submitters: PubMed 22342398 (cited by Labcorp Genetics (formerly Invitae), Labcorp); PubMed 21990121 (cited by Labcorp Genetics (formerly Invitae), Labcorp); PubMed 23463580 (cited by Labcorp Genetics (formerly Invitae), Labcorp).

NM_003722.5(TP63):c.518G>A (p.Gly173Asp)

Gene: TP63 (tumor protein p63; plus strand). Cytogenetic location: 3q28.
Variant type: single nucleotide variant.
Coding change: c.518G>A on transcript NM_003722.5 (MANE Select); coding-DNA position 518, G replaced by A.
Protein change: p.Gly173Asp; replaces glycine 173 with aspartic acid.
Molecular consequence: missense variant. On other transcripts: intron variant (2).
Genome position (GRCh38, 1-based): chr3:189,808,465, G>A. VCF-style: chr3-189808465-G-A. GRCh37 (hg19) VCF-style: chr3-189526254-G-A.
Other names: c.518G>A, p.Gly173Asp (NM_001114978.2, NM_001114979.2, NM_001329144.2 and 1 more transcripts); c.236G>A, p.Gly79Asp (NM_001114980.2, NM_001114981.2, NM_001114982.2 and 2 more transcripts); c.512G>A, p.Gly171Asp (NM_001329964.2); c.42+18623G>A (NM_001329146.2, NM_001329150.2); short protein forms G173D, G79D, G171D.
Identifiers: ClinVar variation 2734605 (VCV002734605.3), dbSNP rs113993965, ClinGen allele CA343283.
Genomic context (GRCh38, chr3:189,808,465, plus strand): 5'-GCTCCACCTTCGATGCTCTCTCTCCATCACCCGCCATCCCCTCCAACACCGACTACCCAG[G>A]CCCGCACAGTTTCGACGTGTCCTTCCAGCAGTCGAGCACCGCCAAGTCGGCCACCTGGAC-3'
Protein context (NP_003713.3, residues 163-183): PAIPSNTDYP[Gly173Asp]PHSFDVSFQQ